The following is an entry in ClinVar:

ClinVar aggregate classification (germline): Uncertain significance (1 of 4 stars; one submission).

Allele frequency attached by ClinVar (database versions not stated): gnomAD 0.00001; gnomAD exomes 0.00001; TOPMed 0.00003.
gnomAD v4.1: 11 of 1,614,030 alleles (0.00068%); highest among the groups gnomAD compares: Admixed American, 0.0017%; no homozygotes.

Submission:

GeneDx
Classification: Uncertain significance. Last evaluated: 2024-12-19. Review status: criteria provided, single submitter. Criteria: GeneDx Variant Classification Process June 2021. Collection method: clinical testing. Allele origin: germline. Affected: yes.
Comment: Not observed at significant frequency in large population cohorts (gnomAD); In silico analysis indicates that this missense variant does not alter protein structure/function; Has not been previously published as pathogenic or benign to our knowledge

NM_000108.5(DLD):c.1129A>G (p.Met377Val)

Gene: DLD (dihydrolipoamide dehydrogenase; plus strand). Cytogenetic location: 7q31.1.
Variant type: single nucleotide variant.
Coding change: c.1129A>G on transcript NM_000108.5 (MANE Select); coding-DNA position 1129, A replaced by G.
Protein change: p.Met377Val; replaces methionine 377 with valine.
Molecular consequence: missense variant.
Genome position (GRCh38, 1-based): chr7:107,917,355, A>G. VCF-style: chr7-107917355-A-G. GRCh37 (hg19) VCF-style: chr7-107557800-A-G.
Other names: c.832A>G, p.Met278Val (NM_001289750.1); c.1060A>G, p.Met354Val (NM_001289751.1); c.985A>G, p.Met329Val (NM_001289752.1); short protein forms M278V, M329V, M354V, M377V.
Identifiers: ClinVar variation 1300362 (VCV001300362.3), dbSNP rs915221367, ClinGen allele CA164258401.
Genomic context (GRCh38, chr7:107,917,355, plus strand): 5'-GTTGCTGGTCCAATGCTGGCTCACAAAGCAGAGGATGAAGGCATTATCTGTGTTGAAGGA[A>G]TGGCTGGTGGTGCTGTGCACATTGACTACAATTGTGTGCCATCAGTGATTTACACACACC-3'
Protein context (NP_000099.2, residues 367-387): EDEGIICVEG[Met377Val]AGGAVHIDYN